The following is an entry in ClinVar:

NM_001127511.3(APC):c.165+20T>G

Gene: APC (APC regulator of Wnt signaling pathway; plus strand). Cytogenetic location: 5q22.2.
Variant type: single nucleotide variant.
Coding change: c.165+20T>G on transcript NM_001127511.3; 20 bases into the intron after coding-DNA position 165, T replaced by G.
Molecular consequence: intron variant.
Genome position (GRCh38, 1-based): chr5:112,707,902, T>G. VCF-style: chr5-112707902-T-G. GRCh37 (hg19) VCF-style: chr5-112043599-T-G.
Other names: c.-1054+20T>G (NM_001407470.1, NM_001407472.1); c.-19+20T>G (NM_001407447.1, NM_001354895.2, NM_001407456.1 and 3 more transcripts); c.165+20T>G (NM_001407446.1, NM_001354897.2, NM_001354902.2); c.-19+253T>G (NM_001407448.1, NM_001407450.1, NM_001407457.1 and 1 more transcripts); c.-43+253T>G (NM_001407453.1).
Identifiers: ClinVar variation 4733477 (VCV004733477.1).
Genomic context (GRCh38, chr5:112,707,902, plus strand): 5'-GCGGCGCTCGTACTTCTGGCCACTGGGCGAGCGTCTGGCAGGTGAGTGAGGCTGCAGGCA[T>G]TGACGTCTCCTCCCGGCAAAGCTTCCTCGGCTTTGCCCCGCCGCTGCTCGGGACCCTACG-3'

ClinVar aggregate classification (germline): Uncertain significance (1 of 4 stars; one submission).

Conditions:
Familial adenomatous polyposis 1 (FAP1). Also called: POLYPOSIS, ADENOMATOUS INTESTINAL; FAMILIAL ADENOMATOUS POLYPOSIS 1, ATTENUATED. Identifiers: MedGen C2713442, MONDO:0021056, OMIM 175100. Disease mechanism: loss of function.

gnomAD v4.1: 1 of 1,357,044 alleles (0.000074%); no homozygotes.

Submission:

Labcorp Genetics (formerly Invitae), Labcorp
Classification: Uncertain significance for Familial adenomatous polyposis 1. Last evaluated: 2025-12-17. Review status: criteria provided, single submitter. Criteria: Invitae Variant Classification Sherloc (09022015). Collection method: clinical testing. Allele origin: germline.
Comment: This variant occurs in a non-coding region of the APC gene. It does not change the encoded amino acid sequence of the APC protein. This variant is not present in population databases (gnomAD no frequency). This variant has not been reported in the literature in individuals affected with APC-related conditions. Experimental studies and prediction algorithms are not available or were not evaluated, and the functional significance of this variant is currently unknown. In summary, the available evidence is currently insufficient to determine the role of this variant in disease. Therefore, it has been classified as a Variant of Uncertain Significance.